The following is an entry in ClinVar:

NM_007289.4(MME):c.1689dup (p.Phe564fs)

Gene: MME (membrane metalloendopeptidase; plus strand). Cytogenetic location: 3q25.2.
Variant type: Duplication.
Coding change: c.1689dup on transcript NM_007289.4 (MANE Select); coding-DNA position 1689, one base duplicated (C; older notation c.1689dupC).
Protein change: p.Phe564fs; shifts the reading frame from phenylalanine 564.
Molecular consequence: frameshift variant.
Genome position (GRCh38, 1-based): chr3:155,166,930, C duplicated; the last of 6 consecutive C bases (chr3:155,166,925-155,166,930); duplicating any one gives the same sequence. VCF-style (leftmost placement, unchanged base first): chr3-155166924-G-GC. GRCh37 (hg19) VCF-style: chr3-154884713-G-GC.
Other names: c.1689dup, p.Phe564fs (NM_000902.5, NM_001354642.2, NM_001354643.1 and 2 more transcripts); short protein forms F564fs.
Identifiers: ClinVar variation 1453652 (VCV001453652.7), dbSNP rs749150627, ClinGen allele CA2675603.

ClinVar aggregate classification (germline): Pathogenic/Likely pathogenic. Review status: criteria provided, multiple submitters, no conflicts (2 of 4 stars). 2 submissions from 2 submitters: Pathogenic (1); Likely pathogenic (1). Last evaluated 2025-08-25.

Conditions:
MME-related disorder. Also called: MME-related condition.

Submissions (2):

Labcorp Genetics (formerly Invitae), Labcorp
Classification: Pathogenic. Last evaluated: 2025-08-25. Review status: criteria provided, single submitter. Criteria: Invitae Variant Classification Sherloc (09022015). Collection method: clinical testing. Allele origin: germline.
Comment: This sequence change creates a premature translational stop signal (p.Phe564Leufs*3) in the MME gene. It is expected to result in an absent or disrupted protein product. Loss-of-function variants in MME are known to be pathogenic (PMID: 26991897). This variant is present in population databases (rs749150627, gnomAD 0.002%). This variant has not been reported in the literature in individuals affected with MME-related conditions. ClinVar contains an entry for this variant (Variation ID: 1453652). For these reasons, this variant has been classified as Pathogenic.

Blueprint Genetics
Classification: Likely pathogenic for MME-related disorders. Last evaluated: 2021-08-05. Review status: criteria provided, single submitter. Criteria: ACMG Guidelines, 2015. Collection method: clinical testing. Allele origin: germline. Affected: yes. Observed: 2 variant alleles.

Literature cited by the submitters: PubMed 26991897 (cited by Labcorp Genetics (formerly Invitae), Labcorp).